The following is an entry in ClinVar:

NM_001267550.2(TTN):c.[62674G>A];[68984A>C]

Variant type: CompoundHeterozygote.
Identifiers: ClinVar variation 1173087 (VCV001173087.2).

ClinVar aggregate classification (germline): Likely pathogenic (0 of 4 stars; one submission).

Conditions:
Early-onset myopathy with fatal cardiomyopathy (CMYO5). Also called: Salih Myopathy; CONGENITAL MYOPATHY 5 WITH CARDIOMYOPATHY. Identifiers: Orphanet 289377, MedGen C2673677, MONDO:0012714, OMIM 611705. Disease mechanism: loss of function.

Submission:

Rajaie Cardiovascular, Medical and Research Center, Iran University of Medical Sciences
Classification: Likely pathogenic for Early-onset myopathy with fatal cardiomyopathy. Review status: no assertion criteria provided. Collection method: research. Allele origin: somatic. Inheritance: Autosomal recessive inheritance. Affected: yes. Observed: 1 variant allele, 1 compound heterozygote.
Comment: Bioinformatics analysis indicated these two variants decrease the instability of the titin protein. Each of these variants is VUS alone, however, the co-occurrence of them is likely pathogenic.